The following is an entry in ClinVar:

ClinVar aggregate classification (germline): Uncertain significance (1 of 4 stars; one submission).

Conditions:
Hypertrophic cardiomyopathy. Also called: HYPERTROPHIC MYOCARDIOPATHY. Identifiers: Orphanet 217569, MedGen C0007194, MeSH D002312, MONDO:0005045, HP:0001639.

Submission:

Labcorp Genetics (formerly Invitae), Labcorp
Classification: Uncertain significance for Hypertrophic cardiomyopathy. Last evaluated: 2023-12-06. Review status: criteria provided, single submitter. Criteria: Invitae Variant Classification Sherloc (09022015). Collection method: clinical testing. Allele origin: germline.
Comment: This variant, c.1759_1764del, results in the deletion of 2 amino acid(s) of the JPH2 protein (p.Pro587_Glu588del), but otherwise preserves the integrity of the reading frame. This variant is not present in population databases (gnomAD no frequency). This variant has not been reported in the literature in individuals affected with JPH2-related conditions. Experimental studies and prediction algorithms are not available or were not evaluated, and the functional significance of this variant is currently unknown. In summary, the available evidence is currently insufficient to determine the role of this variant in disease. Therefore, it has been classified as a Variant of Uncertain Significance.

NM_020433.5(JPH2):c.1753CCCGAG[1] (p.585PE[1])

Gene: JPH2 (junctophilin 2; minus strand). Cytogenetic location: 20q13.12.
Variant type: Microsatellite.
Coding change: c.1753CCCGAG[1] on transcript NM_020433.5 (MANE Select); one copy of the 6-base unit CCCGAG starting at c.1753; the reference has two copies in a row; one copy, 6 bases deleted.
Protein change: p.585PE[1].
Molecular consequence: inframe deletion.
Genome position (GRCh38, 1-based): chr20:44,115,911-44,115,916, CTCGGG deleted on the plus strand (CCCGAG on the coding strand, the reverse complement: JPH2 is on the minus strand); deleting any 6 consecutive bases within chr20:44,115,911-44,115,924 gives the same sequence; the position shown is the placement nearest the transcript's 3' end. VCF-style (leftmost placement, unchanged base first): chr20-44115910-CCTCGGG-C. GRCh37 (hg19) VCF-style: chr20-42744550-CCTCGGG-C.
Identifiers: ClinVar variation 2420382 (VCV002420382.6), dbSNP rs2515717918, ClinGen allele CA2580615018.